The following is an entry in ClinVar:

ClinVar aggregate classification (germline): Pathogenic (1 of 4 stars; one submission).

Conditions:
Charcot-Marie-Tooth disease, type I (CMT1). Also called: Charcot-Marie-Tooth, Type 1; Charcot-Marie-Tooth disease type 1. Identifiers: Orphanet 65753, MedGen C0751036, MONDO:0019011.

Submission:

Labcorp Genetics (formerly Invitae), Labcorp
Classification: Pathogenic for Charcot-Marie-Tooth disease, type I. Last evaluated: 2023-07-28. Review status: criteria provided, single submitter. Criteria: Invitae Variant Classification Sherloc (09022015). Collection method: clinical testing. Allele origin: germline.
Comment: This sequence change results in a frameshift in the MPZ gene (p.Leu170Cysfs*81). While this is not anticipated to result in nonsense mediated decay, it is expected to disrupt the last 79 amino acid(s) of the MPZ protein and extend the protein by 1 additional amino acid residues. This variant is not present in population databases (gnomAD no frequency). This variant has not been reported in the literature in individuals affected with MPZ-related conditions. This variant disrupts a region of the MPZ protein in which other variant(s) (p.Lys236del) have been determined to be pathogenic (PMID: 12207932, 15716547, 29687021, 31173589). This suggests that this is a clinically significant region of the protein, and that variants that disrupt it are likely to be disease-causing. For these reasons, this variant has been classified as Pathogenic.

Literature cited by the submitters: PubMed 12207932; PubMed 15716547; PubMed 29687021; PubMed 31173589.

NM_000530.8(MPZ):c.508_511del (p.Leu170fs)

Gene: MPZ (myelin protein zero; minus strand). Cytogenetic location: 1q23.3.
Variant type: Deletion.
Coding change: c.508_511del on transcript NM_000530.8 (MANE Select); coding-DNA positions 508 to 511, 4 bases deleted (CTGT; older notation c.508_511delCTGT).
Protein change: p.Leu170fs; shifts the reading frame from leucine 170.
Molecular consequence: frameshift variant.
Genome position (GRCh38, 1-based): chr1:161,306,402-161,306,405, ACAG deleted on the plus strand (CTGT on the coding strand, the reverse complement: MPZ is on the minus strand). VCF-style (leftmost placement, unchanged base first): chr1-161306401-AACAG-A. GRCh37 (hg19) VCF-style: chr1-161276191-AACAG-A.
Other names: c.508_511del, p.Leu170fs (NM_001315491.2); short protein forms L170fs.
Identifiers: ClinVar variation 2900622 (VCV002900622.3), dbSNP rs2526236083, ClinGen allele CA2739275376.
Genomic context (GRCh38, chr1:161,306,401, plus strand): 5'-TGCAGGGCCGCCTGCCTGCGTAGCCAGCAGTACCGAACCACGTAGAAAAGCAGCAGCAGC[AACAG>A]CACCACCCCGAGGACACCCCCGATCACAGCTCCCAGAACGACCCCGTACCTAGTTGGCAC-3'